The following is an entry in ClinVar:

NM_000051.4(ATM):c.4963T>G (p.Ser1655Ala)

Gene: ATM (ATM serine/threonine kinase; plus strand). Cytogenetic location: 11q22.3.
Variant type: single nucleotide variant.
Coding change: c.4963T>G on transcript NM_000051.4 (MANE Select); coding-DNA position 4963, T replaced by G.
Protein change: p.Ser1655Ala; replaces serine 1655 with alanine.
Molecular consequence: missense variant.
Genome position (GRCh38, 1-based): chr11:108,297,340, T>G. VCF-style: chr11-108297340-T-G. GRCh37 (hg19) VCF-style: chr11-108168067-T-G.
Other names: c.4963T>G, p.Ser1655Ala (NM_001351834.2); short protein forms S1655A.
Identifiers: ClinVar variation 1381956 (VCV001381956.6), dbSNP rs1376280581, ClinGen allele CA382538347.

ClinVar aggregate classification (germline): Uncertain significance (1 of 4 stars; one submission).

Conditions:
Ataxia-telangiectasia syndrome (AT). Also called: Cerebello-oculocutaneous telangiectasia; Immunodeficiency with ataxia telangiectasia; LOUIS-BAR SYNDROME; ATAXIA-TELANGIECTASIA, COMPLEMENTATION GROUP A; ATAXIA-TELANGIECTASIA, FRESNO VARIANT; Ataxia-telangiectasia, complementation group D. Identifiers: Orphanet 100, MedGen C0004135, MONDO:0008840, OMIM 208900.

gnomAD v4.1: 1 of 1,614,090 alleles (0.000062%); highest among the groups gnomAD compares: Non-Finnish European, 0.000085%; no homozygotes.

Submission:

Labcorp Genetics (formerly Invitae), Labcorp
Classification: Uncertain significance for Ataxia-telangiectasia syndrome. Last evaluated: 2025-04-07. Review status: criteria provided, single submitter. Criteria: Invitae Variant Classification Sherloc (09022015). Collection method: clinical testing. Allele origin: germline.
Comment: This sequence change replaces serine, which is neutral and polar, with alanine, which is neutral and non-polar, at codon 1655 of the ATM protein (p.Ser1655Ala). This variant is not present in population databases (gnomAD no frequency). This missense change has been observed in individual(s) with clinical features of ATM-related conditions (PMID: 35980532). ClinVar contains an entry for this variant (Variation ID: 1381956). Invitae Evidence Modeling of protein sequence and biophysical properties (such as structural, functional, and spatial information, amino acid conservation, physicochemical variation, residue mobility, and thermodynamic stability) indicates that this missense variant is not expected to disrupt ATM protein function with a negative predictive value of 95%. In summary, the available evidence is currently insufficient to determine the role of this variant in disease. Therefore, it has been classified as a Variant of Uncertain Significance.

Literature cited by the submitters: PubMed 35980532.